The following is an entry in ClinVar:

NM_000051.4(ATM):c.357dup (p.Leu120fs)

Gene: ATM (ATM serine/threonine kinase; plus strand). Cytogenetic location: 11q22.3.
Variant type: Duplication.
Coding change: c.357dup on transcript NM_000051.4 (MANE Select); coding-DNA position 357, one base duplicated (A; older notation c.357dupA).
Protein change: p.Leu120fs; shifts the reading frame from leucine 120.
Molecular consequence: frameshift variant.
Genome position (GRCh38, 1-based): chr11:108,235,695, A duplicated; the last of 2 consecutive A bases (chr11:108,235,694-108,235,695); duplicating either gives the same sequence. VCF-style (leftmost placement, unchanged base first): chr11-108235693-G-GA. GRCh37 (hg19) VCF-style: chr11-108106420-G-GA.
Other names: c.357dup, p.Leu120fs (NM_001351834.2); c.357dupA (NM_000051.3); short protein forms L120fs.
Identifiers: ClinVar variation 659263 (VCV000659263.6), dbSNP rs1591474530, ClinGen allele CA915947711.

ClinVar aggregate classification (germline): Pathogenic (1 of 4 stars; one submission).

Conditions:
Ataxia-telangiectasia syndrome (AT). Also called: ATAXIA-TELANGIECTASIA, FRESNO VARIANT; Ataxia-telangiectasia, complementation group D; Cerebello-oculocutaneous telangiectasia; Immunodeficiency with ataxia telangiectasia; Ataxia-telangiectasia; Ataxia telangiectasia (A-T). Identifiers: Orphanet 100, MedGen C0004135, MONDO:0008840, OMIM 208900.

Submission:

Labcorp Genetics (formerly Invitae), Labcorp
Classification: Pathogenic for Ataxia-telangiectasia syndrome. Last evaluated: 2018-10-16. Review status: criteria provided, single submitter. Criteria: Invitae Variant Classification Sherloc (09022015). Collection method: clinical testing. Allele origin: germline.
Comment: For these reasons, this variant has been classified as Pathogenic. Loss-of-function variants in ATM are known to be pathogenic (PMID: 23807571, 25614872). This variant has not been reported in the literature in individuals with ATM-related disease. This variant is not present in population databases (ExAC no frequency). This sequence change creates a premature translational stop signal (p.Leu120Thrfs*14) in the ATM gene. It is expected to result in an absent or disrupted protein product.

Literature cited by the submitters: PubMed 23807571; PubMed 25614872.